The following is an entry in ClinVar:

NC_000009.11:g.(?_111692039)_(111693436_?)del

Gene: ELP1 (elongator acetyltransferase complex subunit 1; minus strand). Cytogenetic location: 9q31.3.
Variant type: Deletion.
Identifiers: ClinVar variation 1069003 (VCV001069003.5).

ClinVar aggregate classification (germline): Pathogenic (1 of 4 stars; one submission).

Submission:

Labcorp Genetics (formerly Invitae), Labcorp
Classification: Pathogenic. Last evaluated: 2020-10-13. Review status: criteria provided, single submitter. Criteria: Invitae Variant Classification Sherloc (09022015). Collection method: clinical testing. Allele origin: germline.
Comment: This variant has not been reported in the literature in individuals with ELP1-related conditions. This variant is a gross deletion of the genomic region encompassing exons 2-3 of the ELP1 gene, which includes the initiator codon. The 5' end of this event is unknown as it extends beyond the assayed region for this gene and therefore may encompass additional genes. The 3' boundary is likely confined to intron 3 of the ELP1 gene. This is expected to result in an absent or disrupted protein product. Loss-of-function variants in ELP1 are known to be pathogenic (PMID: 18303054, 24173031). For these reasons, this variant has been classified as Pathogenic.

Literature cited by the submitters: PubMed 18303054; PubMed 24173031.